The following is an entry in ClinVar:

NM_006662.3(SRCAP):c.3976C>G (p.Pro1326Ala)

Gene: SRCAP (Snf2 related CREBBP activator protein; plus strand). Cytogenetic location: 16p11.2.
Variant type: single nucleotide variant.
Coding change: c.3976C>G on transcript NM_006662.3 (MANE Select); coding-DNA position 3976, C replaced by G.
Protein change: p.Pro1326Ala; replaces proline 1326 with alanine.
Molecular consequence: missense variant.
Genome position (GRCh38, 1-based): chr16:30,723,046, C>G. VCF-style: chr16-30723046-C-G. GRCh37 (hg19) VCF-style: chr16-30734367-C-G.
Other names: short protein forms P1326A.
Identifiers: ClinVar variation 4885956 (VCV004885956.2).

ClinVar aggregate classification (germline): Uncertain significance (1 of 4 stars; one submission).

Submission:

Dasa
Classification: Uncertain significance. Last evaluated: 2026-02-01. Review status: criteria provided, single submitter. Criteria: DASA Assertion Criteria. Collection method: clinical testing. Allele origin: germline.
Comment: NM_006662.3(SRCAP):c.3976C>G (p.Pro1326Ala) is a missense variant that results in the substitution of proline with alanine. This variant is rare in population databases. The currently available literature and clinical evidence are not sufficient to establish a definitive association between this variant and the reported condition. Therefore, this variant is classified as a variant of uncertain significance.